The following is an entry in ClinVar:

NM_004958.4(MTOR):c.6440A>C (p.Asn2147Thr)

Gene: MTOR (mechanistic target of rapamycin kinase; minus strand). Cytogenetic location: 1p36.22.
Variant type: single nucleotide variant.
Coding change: c.6440A>C on transcript NM_004958.4 (MANE Select); coding-DNA position 6440, A replaced by C.
Protein change: p.Asn2147Thr; replaces asparagine 2147 with threonine.
Molecular consequence: missense variant.
Genome position (GRCh38, 1-based): chr1:11,126,708, T>G on the plus strand (A>C on the coding strand, the complement: MTOR is on the minus strand). VCF-style: chr1-11126708-T-G. GRCh37 (hg19) VCF-style: chr1-11186765-T-G.
Other names: NM_004958.3:c.6440A>C; c.6440A>C, p.Asn2147Thr (NM_001386500.1); c.5192A>C, p.Asn1731Thr (NM_001386501.1); short protein forms N1731T, N2147T.
Identifiers: ClinVar variation 1296985 (VCV001296985.4), dbSNP rs767933385, ClinGen allele CA589099.

ClinVar aggregate classification (germline): Likely benign (3 of 4 stars; one submission).

Conditions:
Overgrowth syndrome and/or cerebral malformations due to abnormalities in MTOR pathway genes. Identifiers: MedGen CN300503, MONDO:0100283.

Allele frequency attached by ClinVar (database versions not stated): gnomAD exomes 0.00025; ExAC 0.00148.

Submission:

ClinGen Brain Malformations Variant Curation Expert Panel
Classification: Likely benign for Overgrowth syndrome and/or cerebral malformations due to abnormalities in MTOR pathway genes. Last evaluated: 2022-02-12. Review status: reviewed by expert panel. Criteria: ClinGen BrainMalform ACMG Specifications v1. Collection method: curation. Allele origin: germline. Inheritance: Autosomal dominant inheritance.
Comment: The c.6440A>C (NM_004958.4) variant in MTOR is a missense variant predicted to cause substitution of (p.Asn2147Thr). The highest population minor allele frequency in gnomAD v2.1.1 is 0.0006495 in European (Finnish) population, which is higher than the ClinGen BMEP threshold ([>0.00037]) for BS1, and therefore meets this criterion (BS1). MTOR, in which the variant was identified, is defined by the ClinGen Brain Malformations Expert Panel as a gene that has a low rate of benign missense variation and where pathogenic missense variants are a common mechanism of disease (PP2). In summary, this variant meets the criteria to be classified as Likely benign for mosaic autosomal dominant overgrowth with or without cerebral malformations due to abnormalities in MTOR-pathway genes based on the ACMG/AMP criteria applied, as specified by the ClinGen Brain Malformations Expert Panel: BS1, PP2; -3 points (VCEP specifications version 1; Approved: 1/31/2021)